The following is an entry in ClinVar:

NM_000051.4(ATM):c.6798G>T (p.Lys2266Asn)

Genes: C11orf65 (chromosome 11 open reading frame 65; minus strand), ATM (ATM serine/threonine kinase; plus strand). Cytogenetic location: 11q22.3.
Variant type: single nucleotide variant.
Coding change: c.6798G>T on transcript NM_000051.4 (MANE Select); coding-DNA position 6798, G replaced by T.
Protein change: p.Lys2266Asn; replaces lysine 2266 with asparagine.
Molecular consequence: missense variant. On other transcripts: intron variant (2).
Genome position (GRCh38, 1-based): chr11:108,325,535, G>T. VCF-style: chr11-108325535-G-T. GRCh37 (hg19) VCF-style: chr11-108196262-G-T.
Other names: c.6798G>T, p.Lys2266Asn (NM_001351834.2); c.641-16464C>A (NM_001330368.2); c.*38+9685C>A (NM_001351110.2); short protein forms K2266N.
Identifiers: ClinVar variation 3653016 (VCV003653016.2).

ClinVar aggregate classification (germline): Uncertain significance (1 of 4 stars; one submission).

Conditions:
Ataxia-telangiectasia syndrome (AT). Also called: Ataxia-telangiectasia, complementation group D; AT, COMPLEMENTATION GROUP C; ATAXIA-TELANGIECTASIA, COMPLEMENTATION GROUP A; ATAXIA-TELANGIECTASIA, FRESNO VARIANT; Ataxia-telangiectasia; Ataxia-telangiectasia, complementation group E. Identifiers: Orphanet 100, MedGen C0004135, MONDO:0008840, OMIM 208900.

Submission:

Labcorp Genetics (formerly Invitae), Labcorp
Classification: Uncertain significance for Ataxia-telangiectasia syndrome. Last evaluated: 2024-05-11. Review status: criteria provided, single submitter. Criteria: Invitae Variant Classification Sherloc (09022015). Collection method: clinical testing. Allele origin: germline.
Comment: This sequence change replaces lysine, which is basic and polar, with asparagine, which is neutral and polar, at codon 2266 of the ATM protein (p.Lys2266Asn). This variant is not present in population databases (gnomAD no frequency). This variant has not been reported in the literature in individuals affected with ATM-related conditions. An algorithm developed to predict the effect of missense changes on protein structure and function (PolyPhen-2) suggests that this variant is likely to be tolerated. In summary, the available evidence is currently insufficient to determine the role of this variant in disease. Therefore, it has been classified as a Variant of Uncertain Significance.